The following is an entry in ClinVar:

NM_001101426.4(CRPPA):c.895G>C (p.Gly299Arg)

Gene: CRPPA (CDP-L-ribitol pyrophosphorylase A; minus strand). Cytogenetic location: 7p21.2.
Variant type: single nucleotide variant.
Coding change: c.895G>C on transcript NM_001101426.4 (MANE Select); coding-DNA position 895, G replaced by C.
Protein change: p.Gly299Arg; replaces glycine 299 with arginine.
Molecular consequence: missense variant. On other transcripts: non-coding transcript variant (1).
Genome position (GRCh38, 1-based): chr7:16,278,167, C>G on the plus strand (G>C on the coding strand, the complement: CRPPA is on the minus strand). VCF-style: chr7-16278167-C-G. GRCh37 (hg19) VCF-style: chr7-16317792-C-G.
Other names: c.745G>C, p.Gly249Arg (NM_001101417.4); c.790G>C, p.Gly264Arg (NM_001368197.1); short protein forms G299R, G249R, G264R.
Identifiers: ClinVar variation 373694 (VCV000373694.53), dbSNP rs373890080, ClinGen allele CA4169456.

ClinVar aggregate classification (germline): Uncertain significance. Review status: criteria provided, multiple submitters, no conflicts (2 of 4 stars). 5 submissions from 5 submitters: Uncertain significance (5). Last evaluated 2025-08-12.

Conditions:
Autosomal recessive limb-girdle muscular dystrophy type 2U. Also called: MUSCULAR DYSTROPHY, LIMB-GIRDLE, TYPE 2U; Muscular dystrophy-dystroglycanopathy (limb-girdle), type c, 7. Identifiers: Orphanet 352479, MedGen C5190987, MONDO:0014474, OMIM 616052.
Muscular dystrophy-dystroglycanopathy (congenital with brain and eye anomalies), type A, 7. Also called: WALKER-WARBURG SYNDROME OR MUSCLE-EYE-BRAIN DISEASE, ISPD-RELATED; Congenital muscular dystrophy-dystroglycanopathy with brain and eye anomalies, type A7. Identifiers: Orphanet 899, MedGen C3553330, MONDO:0013835, OMIM 614643.

Allele frequency attached by ClinVar (database versions not stated): ESP Exome Variant Server 0.00009; TOPMed 0.00010.
gnomAD v4.1: 135 of 1,580,404 alleles (0.0085%); highest among the groups gnomAD compares: Non-Finnish European, 0.011%; no homozygotes.

Submissions (5):

Ambry Genetics
Classification: Uncertain significance. Last evaluated: 2025-08-12. Review status: criteria provided, single submitter. Criteria: Ambry Variant Classification Scheme 2023. Collection method: clinical testing. Allele origin: germline.

Revvity Omics, Revvity
Classification: Uncertain significance. Last evaluated: 2025-06-18. Review status: criteria provided, single submitter. Criteria: ACMG Guidelines, 2015. Collection method: clinical testing. Allele origin: germline.

Labcorp Genetics (formerly Invitae), Labcorp
Classification: Uncertain significance for Muscular dystrophy-dystroglycanopathy (congenital with brain and eye anomalies), type A, 7; Autosomal recessive limb-girdle muscular dystrophy type 2U. Last evaluated: 2022-08-15. Review status: criteria provided, single submitter. Criteria: Invitae Variant Classification Sherloc (09022015). Collection method: clinical testing. Allele origin: germline.
Comment: This sequence change replaces glycine, which is neutral and non-polar, with arginine, which is basic and polar, at codon 299 of the ISPD protein (p.Gly299Arg). This variant is present in population databases (rs373890080, gnomAD 0.008%). This variant has not been reported in the literature in individuals affected with ISPD-related conditions. ClinVar contains an entry for this variant (Variation ID: 373694). Algorithms developed to predict the effect of missense changes on protein structure and function are either unavailable or do not agree on the potential impact of this missense change (SIFT: "Deleterious"; PolyPhen-2: "Possibly Damaging"; Align-GVGD: "Class C0"). In summary, the available evidence is currently insufficient to determine the role of this variant in disease. Therefore, it has been classified as a Variant of Uncertain Significance.

CeGaT Center for Human Genetics Tuebingen
Classification: Uncertain significance. Last evaluated: 2018-08-01. Review status: criteria provided, single submitter. Criteria: CeGaT Center For Human Genetics Tuebingen Variant Classification Criteria Version 2. Collection method: clinical testing. Allele origin: germline. Affected: yes. Observed: 1 variant allele.

GeneDx
Classification: Uncertain significance. Last evaluated: 2016-12-08. Review status: criteria provided, single submitter. Criteria: GeneDx Variant Classification (06012015). Collection method: clinical testing. Allele origin: germline. Affected: yes.
Comment: A variant of uncertain significance has been identified in the ISPD gene. The G299R variant has not been published as a pathogenic variant, nor has it been reported as a benign variant to our knowledge. The G299R variant is not observed at a significant frequency in large population cohorts (Lek et al., 2016; 1000 Genomes Consortium et al., 2015; Exome Variant Server). The G299R variant is a non-conservative amino acid substitution, which is likely to impact secondary protein structure as these residues differ in polarity, charge, size and/or other properties. However, this substitution occurs at a position that is not conserved. In silico analysis is inconsistent in its predictions as to whether or not the variant is damaging to the protein structure/function. Therefore, based on the currently available information, it is unclear whether this variant is a pathogenic variant or a rare benign variant.